The following is an entry in ClinVar:

NM_000214.3(JAG1):c.1627del (p.Arg543fs)

Gene: JAG1 (jagged canonical Notch ligand 1; minus strand). Cytogenetic location: 20p12.2.
Variant type: Deletion.
Coding change: c.1627del on transcript NM_000214.3 (MANE Select); coding-DNA position 1627, one base deleted (C; older notation c.1627delC).
Protein change: p.Arg543fs; shifts the reading frame from arginine 543.
Molecular consequence: frameshift variant.
Genome position (GRCh38, 1-based): chr20:10,648,053, G deleted on the plus strand (C on the coding strand, the reverse complement: JAG1 is on the minus strand); the first of 2 consecutive G bases (chr20:10,648,053-10,648,054); deleting either gives the same sequence. VCF-style (leftmost placement, unchanged base first): chr20-10648052-CG-C. GRCh37 (hg19) VCF-style: chr20-10628700-CG-C.
Other names: c.1627del (NM_000214.2); short protein forms R543fs.
Identifiers: ClinVar variation 2029978 (VCV002029978.5), dbSNP rs2514516649, ClinGen allele CA2580097899.

ClinVar aggregate classification (germline): Pathogenic. Review status: criteria provided, multiple submitters, no conflicts (2 of 4 stars). 2 submissions from 2 submitters: Pathogenic (2). Last evaluated 2022-09-10.

Conditions:
JAG1-related disorder. Also called: JAG1-related condition; JAG1-related disorders.
Alagille syndrome due to a JAG1 point mutation. Also called: HEPATIC DUCTULAR HYPOPLASIA, SYNDROMATIC; Alagille Syndrome 1; JAG1-Related Alagille Syndrome. Identifiers: Orphanet 261619, Orphanet 52, MedGen C1956125, MONDO:0016862, OMIM 118450.

Submissions (2):

Labcorp Genetics (formerly Invitae), Labcorp
Classification: Pathogenic for Alagille syndrome due to a JAG1 point mutation. Last evaluated: 2022-09-10. Review status: criteria provided, single submitter. Criteria: Invitae Variant Classification Sherloc (09022015). Collection method: clinical testing. Allele origin: germline.
Comment: This variant is not present in population databases (gnomAD no frequency). For these reasons, this variant has been classified as Pathogenic. This variant has not been reported in the literature in individuals affected with JAG1-related conditions. This sequence change creates a premature translational stop signal (p.Arg543Valfs*21) in the JAG1 gene. It is expected to result in an absent or disrupted protein product. Loss-of-function variants in JAG1 are known to be pathogenic (PMID: 11180599).

Rady Children's Institute for Genomic Medicine, Rady Children's Hospital San Diego
Classification: Pathogenic for JAG1-related disorders. Review status: criteria provided, single submitter. Criteria: ACMG Guidelines, 2015. Collection method: clinical testing. Allele origin: germline. Affected: yes.
Comment: This frameshifting variant in exon 13 of 26 introduces a premature stop codon and is therefore predicted to result in loss of normal protein function through either protein truncation or nonsense-mediated mRNA decay (NMD). This variant has not been previously reported or functionally characterized in the literature to our knowledge. The c.1627del (p.Arg543ValfsTer21) variant is absent from the gnomAD population database and thus is presumed to be rare. Analysis of the parental samples was negative for the variant, indicating this variant likely occurred as a de novo event. Based on the available evidence, the c.1627del (p.Arg543ValfsTer21) variant is classified as Pathogenic.

Literature cited by the submitters: PubMed 11180599 (cited by Labcorp Genetics (formerly Invitae), Labcorp).